The following is an entry in ClinVar:

ClinVar aggregate classification (germline): Benign/Likely benign. Review status: criteria provided, multiple submitters, no conflicts (2 of 4 stars). 11 submissions from 11 submitters: Benign (5); Likely benign (3). 3 of the submissions do not count toward it. Last evaluated 2026-09-01.

Conditions:
Hereditary sensory neuropathy-deafness-dementia syndrome. Also called: Hereditary sensory neuropathy type IE; NEUROPATHY, HEREDITARY SENSORY, WITH HEARING LOSS AND DEMENTIA; Hereditary Sensory and Autonomic Neuropathy Type 1E (HSAN1E); HSN IE. Identifiers: Orphanet 456318, MedGen C3279885, MONDO:0013584, OMIM 614116.
Autosomal dominant cerebellar ataxia, deafness and narcolepsy. Also called: Autosomal Dominant Cerebellar Ataxia, Deafness, and Narcolepsy (ADCA-DN). Identifiers: Orphanet 314404, MedGen C4302668, MONDO:0011397, OMIM 604121.

Allele frequency attached by ClinVar (database versions not stated): 1000 Genomes Project 0.00040; 1000 Genomes Project 30x 0.00047; TOPMed 0.00180; ESP Exome Variant Server 0.00261; gnomAD exomes 0.00280 and 0.00383; gnomAD 0.00357 and 0.00377; ExAC 0.00420.
gnomAD v4.1: 4,616 of 1,613,598 alleles (0.29%); highest among the groups gnomAD compares: Non-Finnish European, 0.29%; 30 homozygotes.

Submissions (11):

CeGaT Center for Human Genetics Tuebingen
Classification: Likely benign. Last evaluated: 2026-09-01. Review status: criteria provided, single submitter. Criteria: CeGaT Center For Human Genetics Tuebingen Variant Classification Criteria Version 2. Collection method: clinical testing. Allele origin: germline. Affected: yes. Observed: 66 variant alleles.
Comment: DNMT1: BP4, BP7, BS2

Labcorp Genetics (formerly Invitae), Labcorp
Classification: Benign for Hereditary sensory neuropathy-deafness-dementia syndrome. Last evaluated: 2026-02-01. Review status: criteria provided, single submitter. Criteria: Invitae Variant Classification Sherloc (09022015). Collection method: clinical testing. Allele origin: germline.

Mayo Clinic Laboratories, Mayo Clinic
Classification: Benign. Last evaluated: 2023-08-17. Review status: criteria provided, single submitter. Criteria: ACMG Guidelines, 2015. Collection method: clinical testing. Allele origin: germline. Observed: 22 variant alleles.

ARUP Laboratories, Molecular Genetics and Genomics, ARUP Laboratories
Classification: Benign. Last evaluated: 2023-08-09. Review status: criteria provided, single submitter. Criteria: ARUP Molecular Germline Variant Investigation Process 2024. Collection method: clinical testing. Allele origin: germline.

Fulgent Genetics
Classification: Likely benign for Autosomal dominant cerebellar ataxia, deafness and narcolepsy; Hereditary sensory neuropathy-deafness-dementia syndrome. Last evaluated: 2021-08-12. Review status: criteria provided, single submitter. Criteria: ACMG Guidelines, 2015. Collection method: clinical testing. Allele origin: unknown.

Illumina Laboratory Services, Illumina
Classification: Benign for Hereditary sensory neuropathy-deafness-dementia syndrome. Last evaluated: 2018-01-13. Review status: criteria provided, single submitter. Criteria: ICSL Variant Classification Criteria 13 December 2019. Collection method: clinical testing. Allele origin: germline.
Comment: This variant was observed in the ICSL laboratory as part of a predisposition screen in an ostensibly healthy population. It had not been previously curated by ICSL or reported in the Human Gene Mutation Database (HGMD: prior to June 1st, 2018), and was therefore a candidate for classification through an automated scoring system. Utilizing variant allele frequency, disease prevalence and penetrance estimates, and inheritance mode, an automated score was calculated to assess if this variant is too frequent to cause the disease. Based on the score and internal cut-off values, a variant classified as benign is not then subjected to further curation. The score for this variant resulted in a classification of benign for this disease.

GeneDx
Classification: Benign. Last evaluated: 2015-03-03. Review status: criteria provided, single submitter. Criteria: GeneDx Variant Classification Process June 2021. Collection method: clinical testing. Allele origin: germline. Affected: yes.

Breakthrough Genomics
Classification: Likely benign. Review status: criteria provided, single submitter. Criteria: ACMG Guidelines, 2015. Collection method: not provided. Allele origin: germline. Inheritance: Autosomal dominant inheritance. Affected: yes.

Clinical Genetics DNA and cytogenetics Diagnostics Lab, Erasmus MC, Erasmus Medical Center
Classification: Likely benign. Review status: no assertion criteria provided. Collection method: clinical testing. Allele origin: germline. Affected: yes. Study: VKGL Data-share Consensus. Not counted in ClinVar's aggregate classification.

Clinical Genetics, Academic Medical Center
Classification: Benign. Review status: no assertion criteria provided. Collection method: clinical testing. Allele origin: germline. Affected: yes. Study: VKGL Data-share Consensus. Not counted in ClinVar's aggregate classification.

Genome Diagnostics Laboratory, University Medical Center Utrecht
Classification: Likely benign. Review status: no assertion criteria provided. Collection method: clinical testing. Allele origin: germline. Affected: yes. Study: VKGL Data-share Consensus. Not counted in ClinVar's aggregate classification.

NM_001130823.3(DNMT1):c.2463C>T (p.Leu821=)

Gene: DNMT1 (DNA methyltransferase 1; minus strand). Cytogenetic location: 19p13.2.
Variant type: single nucleotide variant.
Coding change: c.2463C>T on transcript NM_001130823.3 (MANE Select); coding-DNA position 2463, C replaced by T.
Protein change: p.Leu821=; no amino-acid change (leucine 821 retained).
Molecular consequence: synonymous variant.
Genome position (GRCh38, 1-based): chr19:10,149,576, G>A on the plus strand (C>T on the coding strand, the complement: DNMT1 is on the minus strand). VCF-style: chr19-10149576-G-A. GRCh37 (hg19) VCF-style: chr19-10260252-G-A.
Other names: p.Leu821=; c.2463C>T (LRG_362t1); c.2415C>T, p.Leu805= (NM_001318730.2, NM_001379.4); c.2100C>T, p.Leu700= (NM_001318731.2).
Identifiers: ClinVar variation 327901 (VCV000327901.61), dbSNP rs61750051, ClinGen allele CA9188041.